The following is an entry in ClinVar:

NM_002294.3(LAMP2):c.344C>T (p.Ser115Leu)

Gene: LAMP2 (lysosome associated membrane protein 2; minus strand). Cytogenetic location: Xq24.
Variant type: single nucleotide variant.
Coding change: c.344C>T on transcript NM_002294.3 (MANE Select); coding-DNA position 344, C replaced by T.
Protein change: p.Ser115Leu; replaces serine 115 with leucine.
Molecular consequence: missense variant.
Genome position (GRCh38, 1-based): chrX:120,455,410, G>A on the plus strand (C>T on the coding strand, the complement: LAMP2 is on the minus strand). VCF-style: chrX-120455410-G-A. GRCh37 (hg19) VCF-style: chrX-119589265-G-A.
Other names: c.344C>T, p.Ser115Leu (NM_001122606.1, NM_013995.2); short protein forms S115L.
Identifiers: ClinVar variation 2109958 (VCV002109958.4), dbSNP rs950725039, ClinGen allele CA335014012.

ClinVar aggregate classification (germline): Uncertain significance (1 of 4 stars; one submission).

Conditions:
Danon disease. Also called: ANTOPOL DISEASE; PSEUDOGLYCOGENOSIS II; GSD IIb; LYSOSOMAL GLYCOGEN STORAGE DISEASE WITHOUT ACID MALTASE DEFICIENCY; Glycogen Storage Disease Type IIb. Identifiers: Orphanet 34587, MedGen C0878677, MONDO:0010281, OMIM 300257.

Submission:

Labcorp Genetics (formerly Invitae), Labcorp
Classification: Uncertain significance for Danon disease. Last evaluated: 2022-03-12. Review status: criteria provided, single submitter. Criteria: Invitae Variant Classification Sherloc (09022015). Collection method: clinical testing. Allele origin: germline.
Comment: In summary, the available evidence is currently insufficient to determine the role of this variant in disease. Therefore, it has been classified as a Variant of Uncertain Significance. Algorithms developed to predict the effect of missense changes on protein structure and function output the following: SIFT: "Tolerated"; PolyPhen-2: "Benign"; Align-GVGD: "Class C0". The leucine amino acid residue is found in multiple mammalian species, which suggests that this missense change does not adversely affect protein function. This variant has not been reported in the literature in individuals affected with LAMP2-related conditions. This sequence change replaces serine, which is neutral and polar, with leucine, which is neutral and non-polar, at codon 115 of the LAMP2 protein (p.Ser115Leu). This variant is not present in population databases (gnomAD no frequency).